The following is an entry in ClinVar:

ClinVar aggregate classification (germline): Uncertain significance. Review status: criteria provided, multiple submitters, no conflicts (2 of 4 stars). 2 submissions from 2 submitters: Uncertain significance (2). Last evaluated 2025-02-05.

Conditions:
Fanconi anemia (FA). Also called: Fanconi's anemia. Identifiers: Orphanet 84, MedGen C0015625, MeSH D005199, MONDO:0019391.
Inborn genetic diseases. Identifiers: MedGen C0950123, MeSH D030342.

Submissions (2):

Ambry Genetics
Classification: Uncertain significance for Inborn genetic diseases. Last evaluated: 2025-02-05. Review status: criteria provided, single submitter. Criteria: Ambry Variant Classification Scheme 2023. Collection method: clinical testing. Allele origin: germline.
Comment: The p.T429S variant (also known as c.1286C>G), located in coding exon 14 of the FANCA gene, results from a C to G substitution at nucleotide position 1286. The threonine at codon 429 is replaced by serine, an amino acid with similar properties. This amino acid position is conserved. In addition, the in silico prediction for this alteration is inconclusive. Based on the available evidence, the clinical significance of this variant remains unclear.

Labcorp Genetics (formerly Invitae), Labcorp
Classification: Uncertain significance for Fanconi anemia. Last evaluated: 2022-12-12. Review status: criteria provided, single submitter. Criteria: Invitae Variant Classification Sherloc (09022015). Collection method: clinical testing. Allele origin: germline.
Comment: In summary, the available evidence is currently insufficient to determine the role of this variant in disease. Therefore, it has been classified as a Variant of Uncertain Significance. Advanced modeling of protein sequence and biophysical properties (such as structural, functional, and spatial information, amino acid conservation, physicochemical variation, residue mobility, and thermodynamic stability) performed at Invitae indicates that this missense variant is not expected to disrupt FANCA protein function. This variant has not been reported in the literature in individuals affected with FANCA-related conditions. This variant is not present in population databases (gnomAD no frequency). This sequence change replaces threonine, which is neutral and polar, with serine, which is neutral and polar, at codon 429 of the FANCA protein (p.Thr429Ser).

NM_000135.4(FANCA):c.1286C>G (p.Thr429Ser)

Gene: FANCA (FA complementation group A; minus strand). Cytogenetic location: 16q24.3.
Variant type: single nucleotide variant.
Coding change: c.1286C>G on transcript NM_000135.4 (MANE Select); coding-DNA position 1286, C replaced by G.
Protein change: p.Thr429Ser; replaces threonine 429 with serine.
Molecular consequence: missense variant.
Genome position (GRCh38, 1-based): chr16:89,791,476, G>C on the plus strand (C>G on the coding strand, the complement: FANCA is on the minus strand). VCF-style: chr16-89791476-G-C. GRCh37 (hg19) VCF-style: chr16-89857884-G-C.
Other names: c.1286C>G, p.Thr429Ser (NM_001286167.3); short protein forms T429S.
Identifiers: ClinVar variation 3009630 (VCV003009630.4), dbSNP rs1598151907, ClinGen allele CA397464089.
Genomic context (GRCh38, chr16:89,791,476, plus strand): 5'-GCATATGACAGGAACGCAGAGGGGCCCTCCAGTGCTGCCTGGCGCACAACCAGGAACGCA[G>C]TGACCATGCTGTCCAGCTGGCAGCTCTCGAATGCCTGGGCCATCAAACGCGCCACCCAGT-3'
Protein context (NP_000126.2, residues 419-439): FESCQLDSMV[Thr429Ser]AFLVVRQAAL